The following is an entry in ClinVar:

ClinVar aggregate classification (germline): Uncertain significance (1 of 4 stars; one submission).

Conditions:
Combined oxidative phosphorylation defect type 27. Also called: Combined oxidative phosphorylation deficiency 27. Identifiers: Orphanet 477774, MedGen C5567608, MONDO:0014728, OMIM 616672.

Allele frequency attached by ClinVar (database versions not stated): TOPMed 0.00001; ExAC 0.00002; 1000 Genomes Project 0.00020; 1000 Genomes Project 30x 0.00031.
gnomAD v4.1: 16 of 1,603,352 alleles (0.001%); highest among the groups gnomAD compares: African/African-American, 0.0013%; no homozygotes.

Submission:

Labcorp Genetics (formerly Invitae), Labcorp
Classification: Uncertain significance for Combined oxidative phosphorylation defect type 27. Last evaluated: 2024-10-24. Review status: criteria provided, single submitter. Criteria: Invitae Variant Classification Sherloc (09022015). Collection method: clinical testing. Allele origin: germline.
Comment: This sequence change replaces alanine, which is neutral and non-polar, with valine, which is neutral and non-polar, at codon 219 of the CARS2 protein (p.Ala219Val). The frequency data for this variant in the population databases is considered unreliable, as metrics indicate poor data quality at this position in the gnomAD database. This variant has not been reported in the literature in individuals affected with CARS2-related conditions. ClinVar contains an entry for this variant (Variation ID: 658907). An algorithm developed to predict the effect of missense changes on protein structure and function outputs the following: PolyPhen-2: "Benign". The valine amino acid residue is found in multiple mammalian species, which suggests that this missense change does not adversely affect protein function. In summary, the available evidence is currently insufficient to determine the role of this variant in disease. Therefore, it has been classified as a Variant of Uncertain Significance.

NM_024537.4(CARS2):c.656C>T (p.Ala219Val)

Gene: CARS2 (cysteinyl-tRNA synthetase 2, mitochondrial; minus strand). Cytogenetic location: 13q34.
Variant type: single nucleotide variant.
Coding change: c.656C>T on transcript NM_024537.4 (MANE Select); coding-DNA position 656, C replaced by T.
Protein change: p.Ala219Val; replaces alanine 219 with valine.
Molecular consequence: missense variant. On other transcripts: 5 prime UTR variant (1), non-coding transcript variant (2).
Genome position (GRCh38, 1-based): chr13:110,677,103, G>A on the plus strand (C>T on the coding strand, the complement: CARS2 is on the minus strand). VCF-style: chr13-110677103-G-A. GRCh37 (hg19) VCF-style: chr13-111329450-G-A.
Other names: c.-131C>T (NM_001352252.2); c.656C>T, p.Ala219Val (NM_001352253.3); short protein forms A219V.
Identifiers: ClinVar variation 658907 (VCV000658907.11), dbSNP rs541127961, ClinGen allele CA7052112.